The following is an entry in ClinVar:

NM_000245.4(MET):c.2265-41G>A

Gene: MET (MET proto-oncogene, receptor tyrosine kinase; plus strand). Cytogenetic location: 7q31.2.
Variant type: single nucleotide variant.
Coding change: c.2265-41G>A on transcript NM_000245.4 (MANE Select); 41 bases into the intron before coding-DNA position 2265, G replaced by A.
Molecular consequence: intron variant. On other transcripts: missense variant (1).
Genome position (GRCh38, 1-based): chr7:116,759,350, G>A. VCF-style: chr7-116759350-G-A. GRCh37 (hg19) VCF-style: chr7-116399404-G-A.
Other names: c.2278G>A, p.Glu760Lys (NM_001127500.3); c.975-41G>A (NM_001324402.2); c.2265-41G>A (NM_001324401.3); short protein forms E760K.
Identifiers: ClinVar variation 454209 (VCV000454209.17), dbSNP rs1554395868, ClinGen allele CA368981555.

ClinVar aggregate classification (germline): Conflicting classifications of pathogenicity. Review status: criteria provided, conflicting classifications (1 of 4 stars). 3 submissions from 3 submitters: Uncertain significance (2); Likely benign (1). Last evaluated 2026-08-20.

Conditions:
Renal cell carcinoma. Identifiers: Orphanet 217071, MedGen C0007134, MeSH D002292, MONDO:0005086, HP:0005584.
Hereditary cancer-predisposing syndrome. Also called: Neoplastic Syndromes, Hereditary; Hereditary neoplastic syndrome; Hereditary Cancer Syndrome; Tumor predisposition. Identifiers: Orphanet 140162, MedGen C0027672, MeSH D009386, MONDO:0015356.

Allele frequency attached by ClinVar (database versions not stated): gnomAD exomes below 0.00001.
gnomAD v4.1: 1 of 1,597,956 alleles (0.000063%); highest among the groups gnomAD compares: Non-Finnish European, 0.000085%; no homozygotes.

Submissions (3):

Ambry Genetics
Classification: Likely benign for Hereditary cancer-predisposing syndrome. Last evaluated: 2026-08-20. Review status: criteria provided, single submitter. Criteria: Ambry Variant Classification Scheme 2023. Collection method: clinical testing. Allele origin: germline.

Labcorp Genetics (formerly Invitae), Labcorp
Classification: Uncertain significance for Renal cell carcinoma. Last evaluated: 2025-05-19. Review status: criteria provided, single submitter. Criteria: Invitae Variant Classification Sherloc (09022015). Collection method: clinical testing. Allele origin: germline.
Comment: This sequence change replaces glutamic acid, which is acidic and polar, with lysine, which is basic and polar, at codon 760 of the MET protein (p.Glu760Lys). This variant is not present in population databases (gnomAD no frequency). This variant has not been reported in the literature in individuals affected with MET-related conditions. ClinVar contains an entry for this variant (Variation ID: 454209). An algorithm developed to predict the effect of missense changes on protein structure and function outputs the following: PolyPhen-2: "Benign". The lysine amino acid residue is found in multiple mammalian species, which suggests that this missense change does not adversely affect protein function. In summary, the available evidence is currently insufficient to determine the role of this variant in disease. Therefore, it has been classified as a Variant of Uncertain Significance.

GeneDx
Classification: Uncertain significance. Last evaluated: 2022-02-21. Review status: criteria provided, single submitter. Criteria: GeneDx Variant Classification Process June 2021. Collection method: clinical testing. Allele origin: germline. Affected: yes.
Comment: Not observed at significant frequency in large population cohorts (gnomAD); In silico analysis supports that this missense variant does not alter protein structure/function; Has not been previously published as pathogenic or benign to our knowledge